The following is an entry in ClinVar:

NM_001183.6(ATP6AP1):c.674G>A (p.Arg225His)

Gene: ATP6AP1 (ATPase H+ transporting accessory protein 1; plus strand). Cytogenetic location: Xq28.
Variant type: single nucleotide variant.
Coding change: c.674G>A on transcript NM_001183.6 (MANE Select); coding-DNA position 674, G replaced by A.
Protein change: p.Arg225His; replaces arginine 225 with histidine.
Molecular consequence: missense variant.
Genome position (GRCh38, 1-based): chrX:154,433,710, G>A. VCF-style: chrX-154433710-G-A. GRCh37 (hg19) VCF-style: chrX-153662056-G-A.
Other names: short protein forms R225H.
Identifiers: ClinVar variation 930248 (VCV000930248.4), dbSNP rs782349780, ClinGen allele CA10562682.

ClinVar aggregate classification (germline): Uncertain significance. Review status: criteria provided, multiple submitters, no conflicts (2 of 4 stars). 2 submissions from 2 submitters: Uncertain significance (2). Last evaluated 2025-10-29.

Conditions:
Immunodeficiency 47 (IMD47). Also called: IMMUNODEFICIENCY AND HEPATOPATHY WITH OR WITHOUT NEUROLOGIC FEATURES. Identifiers: Orphanet 692790, MedGen C4310819, MONDO:0010504, OMIM 300972.

Allele frequency attached by ClinVar (database versions not stated): ExAC 0.00002; gnomAD 0.00001; TOPMed 0.00001; gnomAD exomes 0.00002.
gnomAD v4.1: 13 of 1,209,261 alleles (0.0011%); highest among the groups gnomAD compares: African/African-American, 0.0017%; no homozygotes.

Submissions (2):

Labcorp Genetics (formerly Invitae), Labcorp
Classification: Uncertain significance. Last evaluated: 2025-10-29. Review status: criteria provided, single submitter. Criteria: Invitae Variant Classification Sherloc (09022015). Collection method: clinical testing. Allele origin: germline.
Comment: This sequence change replaces arginine, which is basic and polar, with histidine, which is basic and polar, at codon 225 of the ATP6AP1 protein (p.Arg225His). This variant is present in population databases (rs782349780, gnomAD 0.006%). This variant has not been reported in the literature in individuals affected with ATP6AP1-related conditions. ClinVar contains an entry for this variant (Variation ID: 930248). Invitae Evidence Modeling of protein sequence and biophysical properties (such as structural, functional, and spatial information, amino acid conservation, physicochemical variation, residue mobility, and thermodynamic stability) indicates that this missense variant is not expected to disrupt ATP6AP1 protein function with a negative predictive value of 80%. In summary, the available evidence is currently insufficient to determine the role of this variant in disease. Therefore, it has been classified as a Variant of Uncertain Significance.

Centre for Mendelian Genomics, University Medical Centre Ljubljana
Classification: Uncertain significance for Immunodeficiency 47. Last evaluated: 2020-02-19. Review status: criteria provided, single submitter. Criteria: ACMG Guidelines, 2015. Collection method: clinical testing. Allele origin: unknown. Affected: yes.
Comment: This variant was classified as: Uncertain significance. The available evidence on this variant's pathogenicity is insufficient or conflicting. The following ACMG criteria were applied in classifying this variant: PP3. This variant was detected in hemizygous state.